The following is an entry in ClinVar:

NM_052989.3(IFT122):c.2501T>C (p.Leu834Pro)

Gene: IFT122 (intraflagellar transport 122; plus strand). Cytogenetic location: 3q22.1.
Variant type: single nucleotide variant.
Coding change: c.2501T>C on transcript NM_052989.3 (MANE Select); coding-DNA position 2501, T replaced by C.
Protein change: p.Leu834Pro; replaces leucine 834 with proline.
Molecular consequence: missense variant.
Genome position (GRCh38, 1-based): chr3:129,502,836, T>C. VCF-style: chr3-129502836-T-C. GRCh37 (hg19) VCF-style: chr3-129221679-T-C.
Other names: c.2477T>C, p.Leu826Pro (NM_001280541.2); c.2051T>C, p.Leu684Pro (NM_001280545.2); c.1874T>C, p.Leu625Pro (NM_001280546.2); c.2501T>C, p.Leu834Pro (NM_001410808.1); c.2447T>C, p.Leu816Pro (NM_001410809.1); c.2324T>C, p.Leu775Pro (NM_001410810.1, NM_018262.4); c.2270T>C, p.Leu757Pro (NM_001410811.1, NM_001410813.1); c.2168T>C, p.Leu723Pro (NM_001410815.1, NM_052990.3); and 2 more; short protein forms L625P, L684P, L705P, L723P, L757P, L775P, L816P, L826P.
Identifiers: ClinVar variation 1717439 (VCV001717439.4), dbSNP rs2532427880, ClinGen allele CA354483026.
Genomic context (GRCh38, chr3:129,502,836, plus strand): 5'-ACCTCAAGAAGCTGGACAGCCCTGGCTATGCTGCTGAGACCTACCTGAAGATGGGTGACC[T>C]CAAGTCCCTGGTGCAGCTGCACGTGGAGACCCAGCGCTGGGATGAGGTGAGGGGAAAGCA-3'
Protein context (NP_443715.1, residues 824-844): AAETYLKMGD[Leu834Pro]KSLVQLHVET

ClinVar aggregate classification (germline): Uncertain significance. Review status: criteria provided, multiple submitters, no conflicts (2 of 4 stars). 2 submissions from 2 submitters: Uncertain significance (2). Last evaluated 2024-05-10.

Conditions:
Cranioectodermal dysplasia 1 (CED1). Also called: LEVIN SYNDROME I. Identifiers: Orphanet 1515, MedGen C0432235, MONDO:0021093, OMIM 218330.

Submissions (2):

Fulgent Genetics
Classification: Uncertain significance for Cranioectodermal dysplasia 1. Last evaluated: 2024-05-10. Review status: criteria provided, single submitter. Criteria: ACMG Guidelines, 2015. Collection method: clinical testing. Allele origin: germline.

Labcorp Genetics (formerly Invitae), Labcorp
Classification: Uncertain significance for Cranioectodermal dysplasia 1. Last evaluated: 2022-08-21. Review status: criteria provided, single submitter. Criteria: Invitae Variant Classification Sherloc (09022015). Collection method: clinical testing. Allele origin: germline.
Comment: This sequence change replaces leucine, which is neutral and non-polar, with proline, which is neutral and non-polar, at codon 885 of the IFT122 protein (p.Leu885Pro). This variant is not present in population databases (gnomAD no frequency). This variant has not been reported in the literature in individuals affected with IFT122-related conditions. Algorithms developed to predict the effect of missense changes on protein structure and function are either unavailable or do not agree on the potential impact of this missense change (SIFT: "Deleterious"; PolyPhen-2: "Possibly Damaging"; Align-GVGD: "Class C0"). In summary, the available evidence is currently insufficient to determine the role of this variant in disease. Therefore, it has been classified as a Variant of Uncertain Significance.